The following is an entry in ClinVar:

NM_000142.5(FGFR3):c.1715C>T (p.Pro572Leu)

Gene: FGFR3 (fibroblast growth factor receptor 3; plus strand). Cytogenetic location: 4p16.3.
Variant type: single nucleotide variant.
Coding change: c.1715C>T on transcript NM_000142.5 (MANE Select); coding-DNA position 1715, C replaced by T.
Protein change: p.Pro572Leu; replaces proline 572 with leucine.
Molecular consequence: missense variant. On other transcripts: non-coding transcript variant (1).
Genome position (GRCh38, 1-based): chr4:1,805,819, C>T. VCF-style: chr4-1805819-C-T. GRCh37 (hg19) VCF-style: chr4-1807546-C-T.
Other names: c.1721C>T, p.Pro574Leu (NM_001163213.2); c.1718C>T, p.Pro573Leu (NM_001354809.2, NM_001354810.2); c.1379C>T, p.Pro460Leu (NM_022965.4); short protein forms P460L, P574L, P572L, P573L.
Identifiers: ClinVar variation 2161504 (VCV002161504.4), dbSNP rs377141691, ClinGen allele CA91257155.

ClinVar aggregate classification (germline): Uncertain significance (1 of 4 stars; one submission).

Allele frequency attached by ClinVar (database versions not stated): gnomAD exomes 0.00002; TOPMed 0.00003; ESP Exome Variant Server 0.00008.
gnomAD v4.1: 23 of 1,612,398 alleles (0.0014%); highest among the groups gnomAD compares: Admixed American, 0.0033%; no homozygotes.

Submission:

Labcorp Genetics (formerly Invitae), Labcorp
Classification: Uncertain significance. Last evaluated: 2024-10-02. Review status: criteria provided, single submitter. Criteria: Invitae Variant Classification Sherloc (09022015). Collection method: clinical testing. Allele origin: germline.
Comment: This sequence change replaces proline, which is neutral and non-polar, with leucine, which is neutral and non-polar, at codon 572 of the FGFR3 protein (p.Pro572Leu). This variant is present in population databases (rs377141691, gnomAD 0.01%). This variant has not been reported in the literature in individuals affected with FGFR3-related conditions. ClinVar contains an entry for this variant (Variation ID: 2161504). Invitae Evidence Modeling of protein sequence and biophysical properties (such as structural, functional, and spatial information, amino acid conservation, physicochemical variation, residue mobility, and thermodynamic stability) has been performed for this missense variant. However, the output from this modeling did not meet the statistical confidence thresholds required to predict the impact of this variant on FGFR3 protein function. In summary, the available evidence is currently insufficient to determine the role of this variant in disease. Therefore, it has been classified as a Variant of Uncertain Significance.